The following is an entry in ClinVar:

ClinVar aggregate classification (germline): Likely benign (1 of 4 stars; one submission).

Allele frequency attached by ClinVar (database versions not stated): 1000 Genomes Project 30x 0.00078; 1000 Genomes Project 0.00080; ExAC 0.00167; gnomAD 0.00228; TOPMed 0.00250; ESP Exome Variant Server 0.00319.
gnomAD v4.1: 5,423 of 1,613,002 alleles (0.34%); highest among the groups gnomAD compares: Non-Finnish European, 0.42%; 16 homozygotes.

Submission:

CeGaT Center for Human Genetics Tuebingen
Classification: Likely benign. Last evaluated: 2023-04-01. Review status: criteria provided, single submitter. Criteria: CeGaT Center For Human Genetics Tuebingen Variant Classification Criteria Version 2. Collection method: clinical testing. Allele origin: germline. Affected: yes. Observed: 1 variant allele.
Comment: SPATA31D1: BP4, BS2

NM_001001670.3(SPATA31D1):c.1961C>G (p.Ala654Gly)

Gene: SPATA31D1 (SPATA31 subfamily D member 1; plus strand). Cytogenetic location: 9q21.32.
Variant type: single nucleotide variant.
Coding change: c.1961C>G on transcript NM_001001670.3 (MANE Select); coding-DNA position 1961, C replaced by G.
Protein change: p.Ala654Gly; replaces alanine 654 with glycine.
Molecular consequence: missense variant.
Genome position (GRCh38, 1-based): chr9:81,992,431, C>G. VCF-style: chr9-81992431-C-G. GRCh37 (hg19) VCF-style: chr9-84607346-C-G.
Other names: short protein forms A654G.
Identifiers: ClinVar variation 2659274 (VCV002659274.24), dbSNP rs141219530, ClinGen allele CA5099086.